The following is an entry in ClinVar:

NM_000231.3(SGCG):c.528_534del (p.His177fs)

Gene: SGCG (sarcoglycan gamma; plus strand). Cytogenetic location: 13q12.12.
Variant type: Deletion.
Coding change: c.528_534del on transcript NM_000231.3 (MANE Select); coding-DNA positions 528 to 534, 7 bases deleted (ACATTCA; older notation c.528_534delACATTCA).
Protein change: p.His177fs; shifts the reading frame from histidine 177.
Molecular consequence: frameshift variant.
Genome position (GRCh38, 1-based): chr13:23,295,437-23,295,443, ACATTCA deleted; deleting any 7 consecutive bases within chr13:23,295,436-23,295,443 gives the same sequence; the c. name uses the placement nearest the transcript's 3' end. VCF-style (leftmost placement, unchanged base first): chr13-23295435-GAACATTC-G. GRCh37 (hg19) VCF-style: chr13-23869574-GAACATTC-G.
Other names: c.582_588del, p.His195fs (NM_001378244.1); c.528_534del, p.His177fs (NM_001378245.1, NM_001378246.1); short protein forms H177fs, H195fs.
Identifiers: ClinVar variation 2740381 (VCV002740381.3), dbSNP rs2542029970, ClinGen allele CA2697551667.
Genomic context (GRCh38, chr13:23,295,435, plus strand): 5'-TTTTACTTCTGCTCCTGATACATCTTTGTTTTTTGTTTAGGGCCTGAAGGGGCTCTTTTT[GAACATTC>G]AGTGGAGACACCCCTTGTCAGAGCCGACCCGTTTCAAGACCTTAGGTAAGAATTTTTGTT-3'

ClinVar aggregate classification (germline): Pathogenic (1 of 4 stars; one submission).

Conditions:
Autosomal recessive limb-girdle muscular dystrophy type 2C (LGMDR5). Also called: MUSCULAR DYSTROPHY, DUCHENNE-LIKE; MUSCULAR DYSTROPHY, LIMB-GIRDLE, AUTOSOMAL RECESSIVE 5. Identifiers: Orphanet 353, MedGen C0410173, MONDO:0009677, OMIM 253700. Disease mechanism: Affects gamma-sarcoglycan and also disrupts the integrity of the entire sarcoglycan complex..

Submission:

Labcorp Genetics (formerly Invitae), Labcorp
Classification: Pathogenic for Autosomal recessive limb-girdle muscular dystrophy type 2C. Last evaluated: 2023-07-10. Review status: criteria provided, single submitter. Criteria: Invitae Variant Classification Sherloc (09022015). Collection method: clinical testing. Allele origin: germline.
Comment: This variant is not present in population databases (gnomAD no frequency). This sequence change creates a premature translational stop signal (p.His177Trpfs*16) in the SGCG gene. It is expected to result in an absent or disrupted protein product. Loss-of-function variants in SGCG are known to be pathogenic (PMID: 18285821). This variant has not been reported in the literature in individuals affected with SGCG-related conditions. For these reasons, this variant has been classified as Pathogenic.

Literature cited by the submitters: PubMed 18285821.